The following is an entry in ClinVar:

ClinVar aggregate classification (germline): Pathogenic. Review status: criteria provided, multiple submitters, no conflicts (2 of 4 stars). 6 submissions from 6 submitters: Pathogenic (6). Last evaluated 2026-02-20.

Conditions:
Mitochondrial complex II deficiency, nuclear type 1. Also called: SUCCINATE CoQ REDUCTASE DEFICIENCY. Identifiers: Orphanet 3208, MedGen C5700310, MONDO:0100294, OMIM 252011.
Pheochromocytoma/paraganglioma syndrome 5. Also called: Paragangliomas 5; SDHA-Related Hereditary Paraganglioma-Pheochromocytoma Syndrome. Identifiers: Orphanet 29072, MedGen C3279992, MONDO:0013602, OMIM 614165.
Hereditary cancer-predisposing syndrome. Also called: Neoplastic Syndromes, Hereditary; Hereditary neoplastic syndrome; Hereditary Cancer Syndrome; Tumor predisposition. Identifiers: Orphanet 140162, MedGen C0027672, MeSH D009386, MONDO:0015356.
Gastrointestinal stromal tumor. Also called: Gastrointestinal stromal tumor, somatic; Gastrointestinal stroma tumor. Identifiers: Orphanet 44890, MedGen C0238198, MeSH D046152, MONDO:0011719, OMIM 606764, HP:0100723.

Allele frequency attached by ClinVar (database versions not stated): gnomAD exomes below 0.00001 and 0.00001; gnomAD 0.00001 and 0.00003; TOPMed 0.00001; ExAC 0.00002; 1000 Genomes Project 30x 0.00031; 1000 Genomes Project 0.00040.
gnomAD v4.1: 6 of 1,614,046 alleles (0.00037%); highest among the groups gnomAD compares: Non-Finnish European, 0.00051%; no homozygotes.

Submissions (6):

St. Jude Molecular Pathology, St. Jude Children's Research Hospital
Classification: Pathogenic for Pheochromocytoma/paraganglioma syndrome 5. Last evaluated: 2026-02-20. Review status: criteria provided, single submitter. Criteria: St. Jude Assertion Criteria 2020. Collection method: clinical testing. Allele origin: germline.
Comment: The SDHA c.1151C>G p.(Ser384Ter) change creates a premature stop codon and is predicted to cause protein truncation or absence of the protein due to nonsense mediated decay. This variant has a maximum subpopulation frequency of 0.0018% in gnomAD v2.1.1. This variant has been reported in individuals with gastrointestinal stromal tum or and found to be homozygous in the tumor sample (PMID: 21505157, 35059314). In summary, this variant meets criteria to be classified as pathogenic.

Labcorp Genetics (formerly Invitae), Labcorp
Classification: Pathogenic for Pheochromocytoma/paraganglioma syndrome 5; Mitochondrial complex II deficiency, nuclear type 1. Last evaluated: 2026-01-07. Review status: criteria provided, single submitter. Criteria: Invitae Variant Classification Sherloc (09022015). Collection method: clinical testing. Allele origin: germline.
Comment: This sequence change creates a premature translational stop signal (p.Ser384*) in the SDHA gene. It is expected to result in an absent or disrupted protein product. Loss-of-function variants in SDHA are known to be pathogenic (PMID: 22974104, 24781757). This variant is present in population databases (rs151170408, gnomAD 0.002%). This premature translational stop signal has been observed in individual(s) with gastrointestinal stromal tumor (PMID: 21505157). ClinVar contains an entry for this variant (Variation ID: 230877). For these reasons, this variant has been classified as Pathogenic.

Ambry Genetics
Classification: Pathogenic for Hereditary cancer-predisposing syndrome. Last evaluated: 2024-01-10. Review status: criteria provided, single submitter. Criteria: Ambry Variant Classification Scheme 2023. Collection method: clinical testing. Allele origin: germline.
Comment: The p.S384* pathogenic mutation (also known as c.1151C>G), located in coding exon 9 of the SDHA gene, results from a C to G substitution at nucleotide position 1151. This changes the amino acid from a serine to a stop codon within coding exon 9. This mutation was previously identified in a homozygous state in a gastrointetstinal stromal tumor (GIST) and was subsequently confirmed to be heterozygous in this individual's germline (Pantaleo MA, J. Natl. Cancer Inst. 2011 Jun; 103(12):983-7). In addition to the clinical data presented in the literature, this alteration is expected to result in loss of function by premature protein truncation or nonsense-mediated mRNA decay. As such, this alteration is interpreted as a disease-causing mutation.

GeneDx
Classification: Pathogenic. Last evaluated: 2023-12-07. Review status: criteria provided, single submitter. Criteria: GeneDx Variant Classification Process June 2021. Collection method: clinical testing. Allele origin: germline. Affected: yes.
Comment: Nonsense variant predicted to result in protein truncation or nonsense mediated decay in a gene for which loss-of-function is a known mechanism of disease; Not observed at significant frequency in large population cohorts (gnomAD); This variant is associated with the following publications: (PMID: 25239601, 24886695, 28546994, 26531060, 23612575, 31589614, 21505157, 35059314)

Myriad Genetics, Inc.
Classification: Pathogenic for Pheochromocytoma/paraganglioma syndrome 5. Last evaluated: 2023-01-12. Review status: criteria provided, single submitter. Criteria: Myriad Autosomal Dominant, Autosomal Recessive and X-Linked Classification Criteria (2023). Collection method: clinical testing. Allele origin: unknown.
Comment: This variant is considered pathogenic. This variant creates a termination codon and is predicted to result in premature protein truncation.

“Giorgio Prodi” Cancer Research Center, University of Bologna
Classification: Pathogenic for Gastrointestinal stromal tumor. Last evaluated: 2021-10-01. Review status: criteria provided, single submitter. Criteria: ACMG Guidelines, 2015. Collection method: research. Allele origin: germline. Affected: yes. Observed: 2 variant alleles.

Literature cited by the submitters: PubMed 22974104 (cited by Labcorp Genetics (formerly Invitae), Labcorp); PubMed 24781757 (cited by Labcorp Genetics (formerly Invitae), Labcorp); PubMed 21505157 (cited by 3 submitters); PubMed 23612575 (cited by “Giorgio Prodi” Cancer Research Center, University of Bologna).

NM_004168.4(SDHA):c.1151C>G (p.Ser384Ter)

Gene: SDHA (succinate dehydrogenase complex flavoprotein subunit A; plus strand). Cytogenetic location: 5p15.33.
Variant type: single nucleotide variant.
Coding change: c.1151C>G on transcript NM_004168.4 (MANE Select); coding-DNA position 1151, C replaced by G.
Protein change: p.Ser384Ter; replaces serine 384 with a stop codon.
Molecular consequence: nonsense.
Genome position (GRCh38, 1-based): chr5:235,230, C>G. VCF-style: chr5-235230-C-G. GRCh37 (hg19) VCF-style: chr5-235345-C-G.
Other names: c.1007C>G, p.Ser336Ter (NM_001294332.2); c.1151C>G, p.Ser384Ter (NM_001330758.2); short protein forms S384*, S336*.
Identifiers: ClinVar variation 230877 (VCV000230877.28), dbSNP rs151170408, ClinGen allele CA3173122.